The following is an entry in ClinVar:

NM_004100.5(EYA4):c.212A>G (p.Glu71Gly)

Gene: EYA4 (EYA transcriptional coactivator and phosphatase 4; plus strand). Cytogenetic location: 6q23.2.
Variant type: single nucleotide variant.
Coding change: c.212A>G on transcript NM_004100.5 (MANE Select); coding-DNA position 212, A replaced by G.
Protein change: p.Glu71Gly; replaces glutamic acid 71 with glycine.
Molecular consequence: missense variant. On other transcripts: intron variant (4).
Genome position (GRCh38, 1-based): chr6:133,448,114, A>G. VCF-style: chr6-133448114-A-G. GRCh37 (hg19) VCF-style: chr6-133769252-A-G.
Other names: c.212A>G, p.Glu71Gly (NM_001301013.2, NM_172105.4); c.208+1360A>G (NM_001370458.1, NM_172103.4, NM_001370459.1 and 1 more transcripts); short protein forms E71G.
Identifiers: ClinVar variation 4708605 (VCV004708605.1).
Genomic context (GRCh38, chr6:133,448,114, plus strand): 5'-TCATATCCACTCAGCAGGCATTCAGACAATGAACTTTTATACTGTTCCTGTTCTCAGGGG[A>G]AAACATGACTGTTTTAAACACAGCAGACTGGTTGCTGAGTTGCAACACCCCCTCTTCTGC-3'
Protein context (NP_004091.3, residues 61-81): TSVTTNGTGG[Glu71Gly]NMTVLNTADW

ClinVar aggregate classification (germline): Uncertain significance (1 of 4 stars; one submission).

Conditions:
Dilated cardiomyopathy 1J (CMD1J). Also called: CARDIOMYOPATHY, DILATED, WITH SENSORINEURAL HEARING LOSS, AUTOSOMAL DOMINANT. Identifiers: Orphanet 217622, MedGen C1854368, MONDO:0011541, OMIM 605362.

gnomAD v4.1: 2 of 1,612,704 alleles (0.00012%); no homozygotes.

Submission:

Labcorp Genetics (formerly Invitae), Labcorp
Classification: Uncertain significance for Dilated cardiomyopathy 1J. Last evaluated: 2025-04-24. Review status: criteria provided, single submitter. Criteria: Invitae Variant Classification Sherloc (09022015). Collection method: clinical testing. Allele origin: germline.
Comment: This sequence change replaces glutamic acid, which is acidic and polar, with glycine, which is neutral and non-polar, at codon 71 of the EYA4 protein (p.Glu71Gly). This variant is present in population databases (no rsID available, gnomAD 0.004%). This variant has not been reported in the literature in individuals affected with EYA4-related conditions. An algorithm developed to predict the effect of missense changes on protein structure and function (PolyPhen-2) suggests that this variant is likely to be tolerated. In summary, the available evidence is currently insufficient to determine the role of this variant in disease. Therefore, it has been classified as a Variant of Uncertain Significance.